The following is an entry in ClinVar:

NM_005751.5(AKAP9):c.2998A>G (p.Ile1000Val)

Gene: AKAP9 (A-kinase anchoring protein 9; plus strand). Cytogenetic location: 7q21.2.
Variant type: single nucleotide variant.
Coding change: c.2998A>G on transcript NM_005751.5 (MANE Select); coding-DNA position 2998, A replaced by G.
Protein change: p.Ile1000Val; replaces isoleucine 1000 with valine.
Molecular consequence: missense variant.
Genome position (GRCh38, 1-based): chr7:92,002,915, A>G. VCF-style: chr7-92002915-A-G. GRCh37 (hg19) VCF-style: chr7-91632229-A-G.
Other names: c.2998A>G, p.Ile1000Val (NM_147185.3); short protein forms I1000V.
Identifiers: ClinVar variation 2295677 (VCV002295677.5), dbSNP rs779137184, ClinGen allele CA4336230.

ClinVar aggregate classification (germline): Uncertain significance. Review status: criteria provided, multiple submitters, no conflicts (2 of 4 stars). 2 submissions from 2 submitters: Uncertain significance (2). Last evaluated 2023-03-01.

Conditions:
Cardiovascular phenotype. Identifiers: MedGen CN230736.
Long QT syndrome (LQTS). Identifiers: MedGen C0023976, MeSH D008133, MONDO:0002442. Disease mechanism: loss of function. Inheritance: Various modes of inheritance.

Allele frequency attached by ClinVar (database versions not stated): gnomAD exomes below 0.00001; ExAC 0.00001; TOPMed 0.00003.
gnomAD v4.1: 3 of 1,611,594 alleles (0.00019%); highest among the groups gnomAD compares: African/African-American, 0.0027%; no homozygotes.

Submissions (2):

Labcorp Genetics (formerly Invitae), Labcorp
Classification: Uncertain significance for Long QT syndrome. Last evaluated: 2023-03-01. Review status: criteria provided, single submitter. Criteria: Invitae Variant Classification Sherloc (09022015). Collection method: clinical testing. Allele origin: germline.
Comment: This sequence change replaces isoleucine, which is neutral and non-polar, with valine, which is neutral and non-polar, at codon 1000 of the AKAP9 protein (p.Ile1000Val). This variant is not present in population databases (gnomAD no frequency). This variant has not been reported in the literature in individuals affected with AKAP9-related conditions. ClinVar contains an entry for this variant (Variation ID: 2295677). An algorithm developed to predict the effect of missense changes on protein structure and function (PolyPhen-2) suggests that this variant is likely to be tolerated. In summary, the available evidence is currently insufficient to determine the role of this variant in disease. Therefore, it has been classified as a Variant of Uncertain Significance.

Ambry Genetics
Classification: Uncertain significance for Cardiovascular phenotype. Last evaluated: 2022-06-17. Review status: criteria provided, single submitter. Criteria: Ambry Variant Classification Scheme 2023. Collection method: clinical testing. Allele origin: germline.